The following is an entry in ClinVar:

NM_003924.4(PHOX2B):c.515C>A (p.Ser172Ter)

Gene: PHOX2B (paired like homeobox 2B; minus strand). Cytogenetic location: 4p13.
Variant type: single nucleotide variant.
Coding change: c.515C>A on transcript NM_003924.4 (MANE Select); coding-DNA position 515, C replaced by A.
Protein change: p.Ser172Ter; replaces serine 172 with a stop codon.
Molecular consequence: nonsense.
Genome position (GRCh38, 1-based): chr4:41,746,237, G>T on the plus strand (C>A on the coding strand, the complement: PHOX2B is on the minus strand). VCF-style: chr4-41746237-G-T. GRCh37 (hg19) VCF-style: chr4-41748254-G-T.
Other names: short protein forms S172*.
Identifiers: ClinVar variation 5040350 (VCV005040350.1).

ClinVar aggregate classification (germline): Likely pathogenic (1 of 4 stars; one submission).

Submission:

CeGaT Center for Human Genetics Tuebingen
Classification: Likely pathogenic. Last evaluated: 2026-07-01. Review status: criteria provided, single submitter. Criteria: CeGaT Center For Human Genetics Tuebingen Variant Classification Criteria Version 2. Collection method: clinical testing. Allele origin: germline. Affected: yes. Observed: 1 variant allele.
Comment: PHOX2B: PVS1:Strong, PM2